The following is an entry in ClinVar:

ClinVar aggregate classification (germline): Uncertain significance (1 of 4 stars; one submission).

Conditions:
Candidiasis, familial, 8 (CANDF8). Identifiers: Orphanet 1334, MedGen C3714992, MONDO:0014230, OMIM 615527.

Submission:

Labcorp Genetics (formerly Invitae), Labcorp
Classification: Uncertain significance for Candidiasis, familial, 8. Last evaluated: 2019-12-19. Review status: criteria provided, single submitter. Criteria: Invitae Variant Classification Sherloc (09022015). Collection method: clinical testing. Allele origin: germline.
Comment: This variant is not present in population databases (ExAC no frequency). In summary, the available evidence is currently insufficient to determine the role of this variant in disease. Therefore, it has been classified as a Variant of Uncertain Significance. Algorithms developed to predict the effect of missense changes on protein structure and function are either unavailable or do not agree on the potential impact of this missense change (SIFT: "Tolerated"; PolyPhen-2: "Benign"; Align-GVGD: "Class C0"). This variant has not been reported in the literature in individuals with TRAF3IP2-related conditions. This sequence change replaces asparagine with lysine at codon 2 of the TRAF3IP2 protein (p.Asn2Lys). The asparagine residue is moderately conserved and there is a moderate physicochemical difference between asparagine and lysine.

NM_147686.4(TRAF3IP2):c.6C>A (p.Asn2Lys)

Genes: TRAF3IP2 (TRAF3 interacting protein 2; minus strand), TRAF3IP2-AS1 (TRAF3IP2 antisense RNA 1; plus strand). Cytogenetic location: 6q21.
Variant type: single nucleotide variant.
Coding change: c.6C>A on transcript NM_147686.4 (MANE Select); coding-DNA position 6, C replaced by A.
Protein change: p.Asn2Lys; replaces asparagine 2 with lysine.
Molecular consequence: missense variant.
Genome position (GRCh38, 1-based): chr6:111,592,081, G>T on the plus strand (C>A on the coding strand, the complement: TRAF3IP2 is on the minus strand). VCF-style: chr6-111592081-G-T. GRCh37 (hg19) VCF-style: chr6-111913284-G-T.
Other names: c.6C>A, p.Asn2Lys (NM_001164281.3); c.33C>A, p.Asn11Lys (NM_147200.3); short protein forms N2K, N11K.
Identifiers: ClinVar variation 852211 (VCV000852211.10), dbSNP rs1796544834, ClinGen allele CA365370493.